The following is an entry in ClinVar:

ClinVar aggregate classification (germline): Uncertain significance (1 of 4 stars; one submission).

Conditions:
Primary dilated cardiomyopathy (DCM). Also called: Dilated Cardiomyopathy. Identifiers: Orphanet 217604, MedGen C0007193, MeSH D002311, MONDO:0005021, HP:0001644. Inheritance: Various modes of inheritance.

Allele frequency attached by ClinVar (database versions not stated): gnomAD exomes below 0.00001.
gnomAD v4.1: 1 of 1,613,750 alleles (0.000062%); highest among the groups gnomAD compares: Non-Finnish European, 0.000085%; no homozygotes.

Submission:

Labcorp Genetics (formerly Invitae), Labcorp
Classification: Uncertain significance for Primary dilated cardiomyopathy. Last evaluated: 2022-08-13. Review status: criteria provided, single submitter. Criteria: Invitae Variant Classification Sherloc (09022015). Collection method: clinical testing. Allele origin: germline.
Comment: Algorithms developed to predict the effect of missense changes on protein structure and function are either unavailable or do not agree on the potential impact of this missense change (SIFT: "Deleterious"; PolyPhen-2: "Probably Damaging"; Align-GVGD: "Class C0"). This variant has not been reported in the literature in individuals affected with NEBL-related conditions. This variant is not present in population databases (gnomAD no frequency). This sequence change replaces histidine, which is basic and polar, with arginine, which is basic and polar, at codon 327 of the NEBL protein (p.His327Arg). In summary, the available evidence is currently insufficient to determine the role of this variant in disease. Therefore, it has been classified as a Variant of Uncertain Significance.

NM_006393.3(NEBL):c.980A>G (p.His327Arg)

Gene: NEBL (nebulette; minus strand). Cytogenetic location: 10p12.31.
Variant type: single nucleotide variant.
Coding change: c.980A>G on transcript NM_006393.3 (MANE Select); coding-DNA position 980, A replaced by G.
Protein change: p.His327Arg; replaces histidine 327 with arginine.
Molecular consequence: missense variant. On other transcripts: intron variant (9).
Genome position (GRCh38, 1-based): chr10:20,852,573, T>C on the plus strand (A>G on the coding strand, the complement: NEBL is on the minus strand). VCF-style: chr10-20852573-T-C. GRCh37 (hg19) VCF-style: chr10-21141502-T-C.
Other names: c.250-39633A>G (NM_001377326.1, NM_001377327.1, NM_001377328.1); c.358-39633A>G (NM_213569.2, NM_001173484.2, NM_001377322.1); c.301-39633A>G (NM_001377324.1); c.292-39633A>G (NM_001377325.1); c.310-39633A>G (NM_001377323.1); short protein forms H327R.
Identifiers: ClinVar variation 1965043 (VCV001965043.5), dbSNP rs2492000643, ClinGen allele CA376100541.